The following is an entry in ClinVar:

NM_175914.4(HNF4A):c.-129T>C

Gene: HNF4A (hepatocyte nuclear factor 4 alpha; plus strand). Cytogenetic location: 20q13.12.
Variant type: single nucleotide variant.
Coding change: c.-129T>C on transcript NM_175914.4; 129 bases upstream of the start codon, T replaced by C.
Genome position (GRCh38, 1-based): chr20:44,355,676, T>C. VCF-style: chr20-44355676-T-C. GRCh37 (hg19) VCF-style: chr20-42984316-T-C.
Identifiers: ClinVar variation 1198303 (VCV001198303.26), dbSNP rs541483698, ClinGen allele CA315390520.

ClinVar aggregate classification (germline): Likely benign. Review status: criteria provided, multiple submitters, no conflicts (2 of 4 stars). 5 submissions from 5 submitters: Likely benign (5). Last evaluated 2024-11-18.

Allele frequency attached by ClinVar (database versions not stated): gnomAD 0.00054 and 0.00037; TOPMed 0.00036; 1000 Genomes Project 30x 0.00172; 1000 Genomes Project 0.00180; gnomAD exomes 0.00084.

Submissions (5):

Blueprint Genetics
Classification: Likely benign. Last evaluated: 2024-11-18. Review status: criteria provided, single submitter. Criteria: ACMG Guidelines, 2015. Collection method: clinical testing. Allele origin: germline.

CeGaT Center for Human Genetics Tuebingen
Classification: Likely benign. Last evaluated: 2024-06-01. Review status: criteria provided, single submitter. Criteria: CeGaT Center For Human Genetics Tuebingen Variant Classification Criteria Version 2. Collection method: clinical testing. Allele origin: germline. Affected: yes. Observed: 1 variant allele.
Comment: HNF4A: BS1

GeneDx
Classification: Likely benign. Last evaluated: 2020-09-11. Review status: criteria provided, single submitter. Criteria: GeneDx Variant Classification Process June 2021. Collection method: clinical testing. Allele origin: germline. Affected: yes.
Comment: Identified in two unrelated families with a clinical diagnosis of MODY in published literature; however, each patient harbored a second HNF4A variant (Anuradha et al., 2011); This variant is associated with the following publications: (PMID: 23014256, 21062274)

Genetic Services Laboratory, University of Chicago
Classification: Likely benign. Last evaluated: 2019-09-24. Review status: criteria provided, single submitter. Criteria: ACMG Guidelines, 2015. Collection method: clinical testing. Allele origin: germline. Affected: no.

Breakthrough Genomics
Classification: Likely benign. Review status: criteria provided, single submitter. Criteria: ACMG Guidelines, 2015. Collection method: not provided. Allele origin: germline. Inheritance: Autosomal dominant inheritance. Affected: yes.